The following is an entry in ClinVar:

NM_000257.4(MYH7):c.4587C>A (p.Val1529=)

Genes: MHRT (myosin heavy chain associated RNA transcript; plus strand), MYH7 (myosin heavy chain 7; minus strand). Cytogenetic location: 14q11.2.
Variant type: single nucleotide variant.
Coding change: c.4587C>A on transcript NM_000257.4 (MANE Select); coding-DNA position 4587, C replaced by A.
Protein change: p.Val1529=; no amino-acid change (valine 1529 retained).
Molecular consequence: synonymous variant. On other transcripts: non-coding transcript variant (1).
Genome position (GRCh38, 1-based): chr14:23,416,925, G>T on the plus strand (C>A on the coding strand, the complement: MYH7 is on the minus strand). VCF-style: chr14-23416925-G-T. GRCh37 (hg19) VCF-style: chr14-23886134-G-T.
Identifiers: ClinVar variation 1120985 (VCV001120985.13), dbSNP rs148054271, ClinGen allele CA042959.

ClinVar aggregate classification (germline): Conflicting classifications of pathogenicity. Review status: criteria provided, conflicting classifications (1 of 4 stars). 4 submissions from 4 submitters: Uncertain significance (2); Likely benign (2). Last evaluated 2026-07-30.

Conditions:
MYH7-related disorder. Also called: MYH7-related condition; MYH7-related disease; MYH7-related disorders.
Cardiomyopathy (CMYO). Also called: Cardiomyopathies. Identifiers: Orphanet 167848, MedGen C0878544, MONDO:0004994, HP:0001638. Inheritance: Various modes of inheritance.
Hypertrophic cardiomyopathy. Also called: HYPERTROPHIC MYOCARDIOPATHY. Identifiers: Orphanet 217569, MedGen C0007194, MeSH D002312, MONDO:0005045, HP:0001639.

Allele frequency attached by ClinVar (database versions not stated): gnomAD 0.00001 and 0.00003; gnomAD exomes 0.00001; TOPMed 0.00002.

Submissions (4):

PreventionGenetics, part of Exact Sciences
Classification: Uncertain significance for MYH7-related condition. Last evaluated: 2026-07-30. Review status: criteria provided, single submitter. Criteria: ACMG Guidelines, 2015. Collection method: clinical testing. Allele origin: germline.
Comment: The MYH7 c.4587C>A variant is not predicted to result in an amino acid change (p.=). This variant is predicted to impact splicing based on splicing prediction programs (SpliceAI, Jaganathan et al. 2019. PubMed ID: 30661751). However, the use of computer prediction programs is not equivalent to functional evidence. To our knowledge, this variant has not been reported in the literature. This variant is reported in 0.012% of alleles in individuals of African descent in gnomAD. At this time, the clinical significance of this variant is uncertain due to the absence of conclusive functional and genetic evidence.

Labcorp Genetics (formerly Invitae), Labcorp
Classification: Likely benign for Hypertrophic cardiomyopathy. Last evaluated: 2025-08-31. Review status: criteria provided, single submitter. Criteria: Invitae Variant Classification Sherloc (09022015). Collection method: clinical testing. Allele origin: germline.

Color Diagnostics, LLC DBA Color Health
Classification: Likely benign for Cardiomyopathy. Last evaluated: 2020-12-13. Review status: criteria provided, single submitter. Criteria: ACMG Guidelines, 2015. Collection method: clinical testing. Allele origin: germline.

GeneDx
Classification: Uncertain significance. Last evaluated: 2020-09-11. Review status: criteria provided, single submitter. Criteria: GeneDx Variant Classification Process June 2021. Collection method: clinical testing. Allele origin: germline. Affected: yes.
Comment: Has not been previously published as pathogenic or benign to our knowledge; Not observed at a significant frequency in large population cohorts (Lek et al., 2016); In silico analysis, which includes splice predictors and evolutionary conservation, suggests this variant may impact gene splicing. In the absence of RNA/functional studies, the actual effect of this sequence change is unknown.